The following is an entry in ClinVar:

ClinVar aggregate classification (germline): Likely pathogenic. Review status: criteria provided, multiple submitters, no conflicts (2 of 4 stars). 2 submissions from 2 submitters: Likely pathogenic (2). Last evaluated 2026-03-05.

Conditions:
Nephronophthisis 15 (NPHP15). Identifiers: Orphanet 3156, MedGen C3541853, MONDO:0013917, OMIM 614845.

Submissions (2):

Dasa
Classification: Likely pathogenic. Last evaluated: 2026-03-05. Review status: criteria provided, single submitter. Criteria: DASA Assertion Criteria. Collection method: clinical testing. Allele origin: germline.
Comment: NM_014956.5(CEP164):c.766-2A>G affects a canonical splice site and is predicted to disrupt normal RNA splicing. Loss of function is an established disease mechanism for CEP164-associated disorders. Also, this variant is absent from population databases. Based on the currently available evidence, this variant is classified as likely pathogenic.

Labcorp Genetics (formerly Invitae), Labcorp
Classification: Likely pathogenic for Nephronophthisis 15. Last evaluated: 2021-12-09. Review status: criteria provided, single submitter. Criteria: Invitae Variant Classification Sherloc (09022015). Collection method: clinical testing. Allele origin: germline.
Comment: Algorithms developed to predict the effect of sequence changes on RNA splicing suggest that this variant may disrupt the consensus splice site. This variant has not been reported in the literature in individuals affected with CEP164-related conditions. This variant is not present in population databases (gnomAD no frequency). This sequence change affects an acceptor splice site in intron 8 of the CEP164 gene. It is expected to disrupt RNA splicing. Variants that disrupt the donor or acceptor splice site typically lead to a loss of protein function (PMID: 16199547), and loss-of-function variants in CEP164 are known to be pathogenic (PMID: 22863007, 28125082, 32367404, 34132027, 34499853). In summary, the currently available evidence indicates that the variant is pathogenic, but additional data are needed to prove that conclusively. Therefore, this variant has been classified as Likely Pathogenic.

Literature cited by the submitters: PubMed 16199547 (cited by Labcorp Genetics (formerly Invitae), Labcorp); PubMed 22863007 (cited by Labcorp Genetics (formerly Invitae), Labcorp); PubMed 28125082 (cited by Labcorp Genetics (formerly Invitae), Labcorp); PubMed 32367404 (cited by Labcorp Genetics (formerly Invitae), Labcorp); PubMed 34132027 (cited by Labcorp Genetics (formerly Invitae), Labcorp); PubMed 34499853 (cited by Labcorp Genetics (formerly Invitae), Labcorp).

NM_014956.5(CEP164):c.766-2A>G

Gene: CEP164 (centrosomal protein 164; plus strand). Cytogenetic location: 11q23.3.
Variant type: single nucleotide variant.
Coding change: c.766-2A>G on transcript NM_014956.5 (MANE Select); the canonical splice acceptor site of the intron before coding-DNA position 766, A replaced by G.
Molecular consequence: splice acceptor variant.
Genome position (GRCh38, 1-based): chr11:117,371,078, A>G. VCF-style: chr11-117371078-A-G. GRCh37 (hg19) VCF-style: chr11-117241794-A-G.
Other names: c.766-2A>G (NM_001271933.2).
Identifiers: ClinVar variation 1500630 (VCV001500630.8), dbSNP rs2135912935, ClinGen allele CA382735572.